The following is an entry in ClinVar:

ClinVar aggregate classification (germline): Uncertain significance. Review status: criteria provided, multiple submitters, no conflicts (2 of 4 stars). 5 submissions from 5 submitters: Uncertain significance (5). Last evaluated 2026-01-05.

Conditions:
Hereditary cancer-predisposing syndrome. Also called: Hereditary neoplastic syndrome; Tumor predisposition; Neoplastic Syndromes, Hereditary; Hereditary Cancer Syndrome. Identifiers: Orphanet 140162, MedGen C0027672, MeSH D009386, MONDO:0015356.
Intrauterine growth retardation, metaphyseal dysplasia, adrenal hypoplasia congenita, genital anomalies, and immunodeficiency. Also called: IMAGEI SYNDROME. Identifiers: MedGen C5193036, MONDO:0032684, OMIM 618336.
Colorectal cancer, susceptibility to, 12 (CRCS12). Also called: COLORECTAL CANCER, SUSCEPTIBILITY TO, ON CHROMOSOME 12q24. Identifiers: Orphanet 220460, MedGen C3554460, MONDO:0014038, OMIM 615083.
Facial dysmorphism-immunodeficiency-livedo-short stature syndrome. Also called: Facial dysmorphism, immunodeficiency, livedo, and short stature; FILS syndrome. Identifiers: Orphanet 352712, MedGen C3554576, MONDO:0014058, OMIM 615139.

gnomAD v4.1: 22 of 1,614,048 alleles (0.0014%); highest among the groups gnomAD compares: South Asian, 0.0022%; no homozygotes.

Submissions (5):

Labcorp Genetics (formerly Invitae), Labcorp
Classification: Uncertain significance. Last evaluated: 2026-01-05. Review status: criteria provided, single submitter. Criteria: Invitae Variant Classification Sherloc (09022015). Collection method: clinical testing. Allele origin: germline.
Comment: This sequence change replaces proline, which is neutral and non-polar, with leucine, which is neutral and non-polar, at codon 1432 of the POLE protein (p.Pro1432Leu). This variant is present in population databases (rs371712284, gnomAD 0.007%). This variant has not been reported in the literature in individuals affected with POLE-related conditions. ClinVar contains an entry for this variant (Variation ID: 571551). Invitae Evidence Modeling of protein sequence and biophysical properties (such as structural, functional, and spatial information, amino acid conservation, physicochemical variation, residue mobility, and thermodynamic stability) indicates that this missense variant is expected to disrupt POLE protein function with a positive predictive value of 80%. In summary, the available evidence is currently insufficient to determine the role of this variant in disease. Therefore, it has been classified as a Variant of Uncertain Significance.

Ambry Genetics
Classification: Uncertain significance for Hereditary cancer-predisposing syndrome. Last evaluated: 2025-01-14. Review status: criteria provided, single submitter. Criteria: Ambry Variant Classification Scheme 2023. Collection method: clinical testing. Allele origin: germline.
Comment: The p.P1432L variant (also known as c.4295C>T), located in coding exon 34 of the POLE gene, results from a C to T substitution at nucleotide position 4295. The proline at codon 1432 is replaced by leucine, an amino acid with similar properties. This amino acid position is highly conserved in available vertebrate species. In addition, the in silico prediction for this alteration is inconclusive. Based on the available evidence, the clinical significance of this variant remains unclear.

Fulgent Genetics
Classification: Uncertain significance for Colorectal cancer, susceptibility to, 12; Facial dysmorphism-immunodeficiency-livedo-short stature syndrome; Intrauterine growth retardation, metaphyseal dysplasia, adrenal hypoplasia congenita, genital anomalies, and immunodeficiency. Last evaluated: 2024-05-23. Review status: criteria provided, single submitter. Criteria: ACMG Guidelines, 2015. Collection method: clinical testing. Allele origin: germline.

GeneDx
Classification: Uncertain significance. Last evaluated: 2023-06-21. Review status: criteria provided, single submitter. Criteria: GeneDx Variant Classification Process June 2021. Collection method: clinical testing. Allele origin: germline. Affected: yes.
Comment: Not observed at significant frequency in large population cohorts (gnomAD); In silico analysis supports that this missense variant has a deleterious effect on protein structure/function; Has not been previously published as pathogenic or benign to our knowledge; This variant is associated with the following publications: (PMID: 28427513)

Department of Pathology and Laboratory Medicine, Sinai Health System
Classification: Uncertain significance for Colorectal cancer, susceptibility to, 12; Facial dysmorphism-immunodeficiency-livedo-short stature syndrome; Intrauterine growth retardation, metaphyseal dysplasia, adrenal hypoplasia congenita, genital anomalies, and immunodeficiency. Last evaluated: 2022-11-25. Review status: criteria provided, single submitter. Criteria: ACMG Guidelines, 2015. Collection method: clinical testing. Allele origin: germline. Affected: yes.

NM_006231.4(POLE):c.4295C>T (p.Pro1432Leu)

Gene: POLE (DNA polymerase epsilon, catalytic subunit; minus strand). Cytogenetic location: 12q24.33.
Variant type: single nucleotide variant.
Coding change: c.4295C>T on transcript NM_006231.4 (MANE Select); coding-DNA position 4295, C replaced by T.
Protein change: p.Pro1432Leu; replaces proline 1432 with leucine.
Molecular consequence: missense variant.
Genome position (GRCh38, 1-based): chr12:132,643,556, G>A on the plus strand (C>T on the coding strand, the complement: POLE is on the minus strand). VCF-style: chr12-132643556-G-A. GRCh37 (hg19) VCF-style: chr12-133220142-G-A.
Other names: short protein forms P1432L.
Identifiers: ClinVar variation 571551 (VCV000571551.14), dbSNP rs371712284, ClinGen allele CA6892890.